The following is an entry in ClinVar:

NM_024422.6(DSC2):c.466C>T (p.Leu156Phe)

Gene: DSC2 (desmocollin 2; minus strand). Cytogenetic location: 18q12.1.
Variant type: single nucleotide variant.
Coding change: c.466C>T on transcript NM_024422.6 (MANE Select); coding-DNA position 466, C replaced by T.
Protein change: p.Leu156Phe; replaces leucine 156 with phenylalanine.
Molecular consequence: missense variant.
Genome position (GRCh38, 1-based): chr18:31,091,036, G>A on the plus strand (C>T on the coding strand, the complement: DSC2 is on the minus strand). VCF-style: chr18-31091036-G-A. GRCh37 (hg19) VCF-style: chr18-28670999-G-A.
Other names: c.466C>T, p.Leu156Phe (NM_004949.5); short protein forms L156F.
Identifiers: ClinVar variation 1308332 (VCV001308332.11), dbSNP rs2144843013, ClinGen allele CA402114061.

ClinVar aggregate classification (germline): Uncertain significance. Review status: criteria provided, multiple submitters, no conflicts (2 of 4 stars). 2 submissions from 2 submitters: Uncertain significance (2). Last evaluated 2023-09-28.

Conditions:
Arrhythmogenic right ventricular dysplasia 11. Also called: Arrhythmogenic right ventricular dysplasia 11 with mild palmoplantar keratoderma and woolly hair; Arrhythmogenic Right Ventricular Dysplasia/Cardiomyopathy11; ARRHYTHMOGENIC RIGHT VENTRICULAR DYSPLASIA, FAMILIAL, 11. Identifiers: MedGen C1864850, MONDO:0012506, OMIM 610476.

Allele frequency attached by ClinVar (database versions not stated): gnomAD exomes below 0.00001.

Submissions (2):

GeneDx
Classification: Uncertain significance. Last evaluated: 2023-09-28. Review status: criteria provided, single submitter. Criteria: GeneDx Variant Classification Process June 2021. Collection method: clinical testing. Allele origin: germline. Affected: yes.
Comment: Not observed at significant frequency in large population cohorts (gnomAD); In silico analysis supports that this missense variant does not alter protein structure/function; Has not been previously published as pathogenic or benign to our knowledge

Labcorp Genetics (formerly Invitae), Labcorp
Classification: Uncertain significance for Arrhythmogenic right ventricular dysplasia 11. Last evaluated: 2021-08-19. Review status: criteria provided, single submitter. Criteria: Invitae Variant Classification Sherloc (09022015). Collection method: clinical testing. Allele origin: germline.
Comment: In summary, the available evidence is currently insufficient to determine the role of this variant in disease. Therefore, it has been classified as a Variant of Uncertain Significance. Algorithms developed to predict the effect of missense changes on protein structure and function are either unavailable or do not agree on the potential impact of this missense change (SIFT: "Deleterious"; PolyPhen-2: "Probably Damaging"; Align-GVGD: "Class C0"). This variant has not been reported in the literature in individuals with DSC2-related conditions. This variant is not present in population databases (ExAC no frequency). This sequence change replaces leucine with phenylalanine at codon 156 of the DSC2 protein (p.Leu156Phe). The leucine residue is moderately conserved and there is a small physicochemical difference between leucine and phenylalanine.